The following is an entry in ClinVar:

NM_024649.5(BBS1):c.1197C>T (p.Ile399=)

Genes: BBS1 (Bardet-Biedl syndrome 1; plus strand), ZDHHC24 (zDHHC palmitoyltransferase 24; minus strand). Cytogenetic location: 11q13.2.
Variant type: single nucleotide variant.
Coding change: c.1197C>T on transcript NM_024649.5 (MANE Select); coding-DNA position 1197, C replaced by T.
Protein change: p.Ile399=; no amino-acid change (isoleucine 399 retained).
Molecular consequence: synonymous variant. On other transcripts: intron variant (1).
Genome position (GRCh38, 1-based): chr11:66,526,665, C>T. VCF-style: chr11-66526665-C-T. GRCh37 (hg19) VCF-style: chr11-66294136-C-T.
Other names: c.*21+271G>A (NM_001348571.2).
Identifiers: ClinVar variation 1110879 (VCV001110879.12), dbSNP rs774005906, ClinGen allele CA6123671.

ClinVar aggregate classification (germline): Likely benign. Review status: criteria provided, multiple submitters, no conflicts (2 of 4 stars). 3 submissions from 3 submitters: Likely benign (2). 1 of the submissions does not count toward it. Last evaluated 2025-07-08.

Conditions:
BBS1-related disorder. Also called: BBS1-related condition.
Bardet-Biedl syndrome (BBS). Identifiers: Orphanet 110, MedGen C0752166, MONDO:0015229.

Allele frequency attached by ClinVar (database versions not stated): ExAC 0.00002; gnomAD 0.00001; TOPMed 0.00001; gnomAD exomes 0.00002.
gnomAD v4.1: 9 of 1,614,086 alleles (0.00056%); highest among the groups gnomAD compares: Admixed American, 0.015%; no homozygotes.

Submissions (3):

Labcorp Genetics (formerly Invitae), Labcorp
Classification: Likely benign for Bardet-Biedl syndrome. Last evaluated: 2025-07-08. Review status: criteria provided, single submitter. Criteria: Invitae Variant Classification Sherloc (09022015). Collection method: clinical testing. Allele origin: germline.

Blueprint Genetics
Classification: Likely benign. Last evaluated: 2022-11-15. Review status: criteria provided, single submitter. Criteria: ACMG Guidelines, 2015. Collection method: clinical testing. Allele origin: germline.

PreventionGenetics, part of Exact Sciences
Classification: Likely benign for BBS1-related condition. Last evaluated: 2020-12-31. Review status: no assertion criteria provided. Collection method: clinical testing. Allele origin: germline. Not counted in ClinVar's aggregate classification.
Comment: This variant is classified as likely benign based on ACMG/AMP sequence variant interpretation guidelines (Richards et al. 2015 PMID: 25741868, with internal and published modifications).